The following is an entry in ClinVar:

NM_000431.4(MVK):c.534C>A (p.Thr178=)

Gene: MVK (mevalonate kinase; plus strand). Cytogenetic location: 12q24.11.
Variant type: single nucleotide variant.
Coding change: c.534C>A on transcript NM_000431.4 (MANE Select); coding-DNA position 534, C replaced by A.
Protein change: p.Thr178=; no amino-acid change (threonine 178 retained).
Molecular consequence: synonymous variant. On other transcripts: 5 prime UTR variant (1), non-coding transcript variant (4).
Genome position (GRCh38, 1-based): chr12:109,586,028, C>A. VCF-style: chr12-109586028-C-A. GRCh37 (hg19) VCF-style: chr12-110023833-C-A.
Other names: c.534C>A, p.Thr178= (NM_001114185.3, NM_001414511.1, NM_001414512.1 and 1 more transcripts); c.378C>A, p.Thr126= (NM_001301182.2, NM_001414514.1); c.-49C>A (NM_001414515.1); c.534C>A (NM_000431.3).
Identifiers: ClinVar variation 2168337 (VCV002168337.5), dbSNP rs749860412, ClinGen allele CA6779299.
Genomic context (GRCh38, chr12:109,586,028, plus strand): 5'-CTCCCCAGCCCCACTCCTCACTGCCACAGTAAAGATGAACATCTGTGTCTTCAGGTGGAC[C>A]AAGGAGGATTTGGAGCTAATTAACAAGTGGGCCTTCCAAGGGGAGAGAATGATTCACGGG-3'
Protein context (NP_000422.1, residues 168-188): LKDGDCVNRW[Thr178=]KEDLELINKW

ClinVar aggregate classification (germline): Likely benign. Review status: criteria provided, multiple submitters, no conflicts (2 of 4 stars). 2 submissions from 2 submitters: Likely benign (2). Last evaluated 2026-06-15.

Conditions:
MVK-related disorder. Also called: MVK-related disorders; MVK-related condition. Identifiers: MedGen CN239294.
Porokeratosis 3, disseminated superficial actinic type (POROK3). Also called: POROKERATOSIS 3, MULTIPLE TYPES; POROKERATOSIS 3, MIBELLI TYPE; POROKERATOSIS, DISSEMINATED SUPERFICIAL ACTINIC, 1. Identifiers: MedGen C1867981, MONDO:0008293, OMIM 175900.
Mevalonic aciduria (MEVA). Identifiers: Orphanet 29, MedGen C1959626, MONDO:0012481, OMIM 610377.
Hyperimmunoglobulin D with periodic fever (HIDS). Also called: Hyperimmunoglobulinemia D with periodic fever; HYPERIMMUNOGLOBULINEMIA D AND PERIODIC FEVER SYNDROME; Hyperimmunoglobulinemia D. Identifiers: Orphanet 343, MedGen C0398691, MONDO:0009849, OMIM 260920.

gnomAD v4.1: 7 of 1,613,626 alleles (0.00043%); highest among the groups gnomAD compares: East Asian, 0.011%; no homozygotes.

Submissions (2):

PreventionGenetics, part of Exact Sciences
Classification: Likely benign for MVK-related condition. Last evaluated: 2026-06-15. Review status: criteria provided, single submitter. Criteria: ACMG Guidelines, 2015. Collection method: clinical testing. Allele origin: germline.
Comment: This variant is classified as likely benign based on ACMG/AMP sequence variant interpretation guidelines (Richards et al. 2015 PMID: 25741868, with internal and published modifications).

Labcorp Genetics (formerly Invitae), Labcorp
Classification: Likely benign for Mevalonic aciduria; Hyperimmunoglobulin D with periodic fever; Porokeratosis 3, disseminated superficial actinic type. Last evaluated: 2024-01-24. Review status: criteria provided, single submitter. Criteria: Invitae Variant Classification Sherloc (09022015). Collection method: clinical testing. Allele origin: germline.